The following is an entry in ClinVar:

ClinVar aggregate classification (germline): Uncertain significance (1 of 4 stars; one submission).

Conditions:
RASopathy. Also called: Noonan spectrum disorder; rasopathies. Identifiers: Orphanet 536391, MedGen C5555857, MONDO:0021060.

Submission:

Labcorp Genetics (formerly Invitae), Labcorp
Classification: Uncertain significance for RASopathy. Last evaluated: 2022-08-31. Review status: criteria provided, single submitter. Criteria: Invitae Variant Classification Sherloc (09022015). Collection method: clinical testing. Allele origin: germline.
Comment: A copy number gain of the genomic region encompassing the full coding sequence of the MAP2K2 gene has been identified. The boundaries of this event are unknown as they extend beyond the assayed region for this gene and therefore may encompass additional genes. As the precise location of this event is unknown, it may be in tandem or it may be located elsewhere in the genome. Isolated whole-gene copy number gains of MAP2K2 have not been reported in the literature. However, larger copy number events that include this gene have been reported (PMID: 25974318). In summary, the available evidence is currently insufficient to determine the role of this variant in disease. Therefore, it has been classified as a Variant of Uncertain Significance.

Literature cited by the submitters: PubMed 25974318.

NC_000019.9:g.(?_4077097)_(4123872_?)dup

Gene: MAP2K2 (mitogen-activated protein kinase kinase 2; minus strand). Cytogenetic location: 19p13.3.
Variant type: Duplication.
Identifiers: ClinVar variation 2426940 (VCV002426940.2).